The following is an entry in ClinVar:

NM_031935.3(HMCN1):c.2999T>C (p.Leu1000Ser)

Gene: HMCN1 (hemicentin 1; plus strand). Cytogenetic location: 1q31.1.
Variant type: single nucleotide variant.
Coding change: c.2999T>C on transcript NM_031935.3 (MANE Select); coding-DNA position 2999, T replaced by C.
Protein change: p.Leu1000Ser; replaces leucine 1000 with serine.
Molecular consequence: missense variant.
Genome position (GRCh38, 1-based): chr1:185,987,495, T>C. VCF-style: chr1-185987495-T-C. GRCh37 (hg19) VCF-style: chr1-185956627-T-C.
Other names: short protein forms L1000S.
Identifiers: ClinVar variation 2741438 (VCV002741438.3), dbSNP rs2527380694, ClinGen allele CA343890385.

ClinVar aggregate classification (germline): Uncertain significance (1 of 4 stars; one submission).

Submission:

Labcorp Genetics (formerly Invitae), Labcorp
Classification: Uncertain significance. Last evaluated: 2023-07-10. Review status: criteria provided, single submitter. Criteria: Invitae Variant Classification Sherloc (09022015). Collection method: clinical testing. Allele origin: germline.
Comment: In summary, the available evidence is currently insufficient to determine the role of this variant in disease. Therefore, it has been classified as a Variant of Uncertain Significance. An algorithm developed to predict the effect of missense changes on protein structure and function (PolyPhen-2) suggests that this variant is likely to be disruptive. This variant has not been reported in the literature in individuals affected with HMCN1-related conditions. This variant is not present in population databases (gnomAD no frequency). This sequence change replaces leucine, which is neutral and non-polar, with serine, which is neutral and polar, at codon 1000 of the HMCN1 protein (p.Leu1000Ser).